The following is an entry in ClinVar:

ClinVar aggregate classification (germline): Conflicting classifications of pathogenicity. Review status: criteria provided, conflicting classifications (1 of 4 stars). 4 submissions from 4 submitters: Uncertain significance (1); Likely benign (2). 1 of the submissions does not count toward it. Last evaluated 2025-11-05.

Conditions:
Cardiovascular phenotype. Identifiers: MedGen CN230736.
Capillary malformation-arteriovenous malformation 1 (CMAVM1). Identifiers: Orphanet 137667, Orphanet 693907, MedGen C4747394, MONDO:0020783, OMIM 608354.
Capillary malformation-arteriovenous malformation syndrome. Also called: Capillary malformation-arteriovenous malformation. Identifiers: Orphanet 137667, MedGen C1842180, MONDO:0012016.
RASA1-related disorder. Also called: RASA1-related condition.

Allele frequency attached by ClinVar (database versions not stated): 1000 Genomes Project 0.00020; 1000 Genomes Project 30x 0.00016.
gnomAD v4.1: 64 of 1,587,760 alleles (0.004%); highest among the groups gnomAD compares: Admixed American, 0.035%; no homozygotes.

Submissions (4):

Labcorp Genetics (formerly Invitae), Labcorp
Classification: Likely benign for Capillary malformation-arteriovenous malformation syndrome. Last evaluated: 2025-11-05. Review status: criteria provided, single submitter. Criteria: Invitae Variant Classification Sherloc (09022015). Collection method: clinical testing. Allele origin: germline.

Ambry Genetics
Classification: Likely benign for Cardiovascular phenotype. Last evaluated: 2020-05-28. Review status: criteria provided, single submitter. Criteria: Ambry Variant Classification Scheme 2023. Collection method: clinical testing. Allele origin: germline.

Illumina Laboratory Services, Illumina
Classification: Uncertain significance for Capillary malformation-arteriovenous malformation 1. Last evaluated: 2018-01-12. Review status: criteria provided, single submitter. Criteria: ICSL Variant Classification Criteria 13 December 2019. Collection method: clinical testing. Allele origin: germline.

PreventionGenetics, part of Exact Sciences
Classification: Likely benign for RASA1-related condition. Last evaluated: 2021-06-21. Review status: no assertion criteria provided. Collection method: clinical testing. Allele origin: germline. Not counted in ClinVar's aggregate classification.
Comment: This variant is classified as likely benign based on ACMG/AMP sequence variant interpretation guidelines (Richards et al. 2015 PMID: 25741868, with internal and published modifications).

NM_002890.3(RASA1):c.75G>A (p.Ala25=)

Gene: RASA1 (RAS p21 protein activator 1; plus strand). Cytogenetic location: 5q14.3.
Variant type: single nucleotide variant.
Coding change: c.75G>A on transcript NM_002890.3 (MANE Select); coding-DNA position 75, G replaced by A.
Protein change: p.Ala25=; no amino-acid change (alanine 25 retained).
Molecular consequence: synonymous variant.
Genome position (GRCh38, 1-based): chr5:87,268,526, G>A. VCF-style: chr5-87268526-G-A. GRCh37 (hg19) VCF-style: chr5-86564343-G-A.
Identifiers: ClinVar variation 907876 (VCV000907876.16), dbSNP rs529924262, ClinGen allele CA3335316.